The following is an entry in ClinVar:

NM_138576.4(BCL11B):c.537C>T (p.Pro179=)

Gene: BCL11B (BCL11 transcription factor B; minus strand). Cytogenetic location: 14q32.2.
Variant type: single nucleotide variant.
Coding change: c.537C>T on transcript NM_138576.4 (MANE Select); coding-DNA position 537, C replaced by T.
Protein change: p.Pro179=; no amino-acid change (proline 179 retained).
Molecular consequence: synonymous variant. On other transcripts: intron variant (2).
Genome position (GRCh38, 1-based): chr14:99,231,448, G>A on the plus strand (C>T on the coding strand, the complement: BCL11B is on the minus strand). VCF-style: chr14-99231448-G-A. GRCh37 (hg19) VCF-style: chr14-99697785-G-A.
Other names: c.534C>T, p.Pro178= (NM_001282237.2); c.424+26023C>T (NM_001282238.2); c.427+26023C>T (NM_022898.3).
Identifiers: ClinVar variation 2644505 (VCV002644505.24), dbSNP rs2503834082, ClinGen allele CA487858680.
Genomic context (GRCh38, chr14:99,231,448, plus strand): 5'-CTCACCCTGAGTCCCGTCACCCGAGACCGGGCGCGCGCTGCAGCACGGCAGGGGGAGGCA[G>A]GGCGGGAGAGCGCCCAGGGCACGCAGAGGTGAAGTGATCACGGATGAGTGAGGGTGGGAG-3'
Protein context (NP_612808.1, residues 169-189): SPLRALGALP[Pro179=]CLPLPCCSAR

ClinVar aggregate classification (germline): Uncertain significance (1 of 4 stars; one submission).

Submission:

CeGaT Center for Human Genetics Tuebingen
Classification: Uncertain significance. Last evaluated: 2023-05-01. Review status: criteria provided, single submitter. Criteria: CeGaT Center For Human Genetics Tuebingen Variant Classification Criteria Version 2. Collection method: clinical testing. Allele origin: germline. Affected: yes. Observed: 1 variant allele.
Comment: BCL11B: PM2:Supporting, BP4